The following is an entry in ClinVar:

ClinVar aggregate classification (germline): Uncertain significance (1 of 4 stars; one submission).

Allele frequency attached by ClinVar (database versions not stated): TOPMed below 0.00001; gnomAD 0.00001; gnomAD exomes 0.00001 and 0.00004; ExAC 0.00004.

Submission:

Labcorp Genetics (formerly Invitae), Labcorp
Classification: Uncertain significance. Last evaluated: 2023-05-22. Review status: criteria provided, single submitter. Criteria: Invitae Variant Classification Sherloc (09022015). Collection method: clinical testing. Allele origin: germline.
Comment: In summary, the available evidence is currently insufficient to determine the role of this variant in disease. Therefore, it has been classified as a Variant of Uncertain Significance. An algorithm developed to predict the effect of missense changes on protein structure and function (PolyPhen-2) suggests that this variant is likely to be disruptive. ClinVar contains an entry for this variant (Variation ID: 1035778). This variant has not been reported in the literature in individuals affected with ACTN4-related conditions. This variant is present in population databases (rs759094284, gnomAD 0.008%). This sequence change replaces isoleucine, which is neutral and non-polar, with valine, which is neutral and non-polar, at codon 880 of the ACTN4 protein (p.Ile880Val).

NM_004924.6(ACTN4):c.2638A>G (p.Ile880Val)

Gene: ACTN4 (actinin alpha 4; plus strand). Cytogenetic location: 19q13.2.
Variant type: single nucleotide variant.
Coding change: c.2638A>G on transcript NM_004924.6 (MANE Select); coding-DNA position 2638, A replaced by G.
Protein change: p.Ile880Val; replaces isoleucine 880 with valine.
Molecular consequence: missense variant.
Genome position (GRCh38, 1-based): chr19:38,729,334, A>G. VCF-style: chr19-38729334-A-G. GRCh37 (hg19) VCF-style: chr19-39219974-A-G.
Other names: c.2623A>G, p.Ile875Val (NM_001322033.2); short protein forms I880V, I875V.
Identifiers: ClinVar variation 1035778 (VCV001035778.8), dbSNP rs759094284, ClinGen allele CA9418123.